The following is an entry in ClinVar:

ClinVar aggregate classification (germline): Uncertain significance. Review status: criteria provided, multiple submitters, no conflicts (2 of 4 stars). 2 submissions from 2 submitters: Uncertain significance (2). Last evaluated 2025-09-02.

Conditions:
FN1-related disorder. Also called: FN1-related condition.

Allele frequency attached by ClinVar (database versions not stated): ExAC 0.00001.
gnomAD v4.1: 21 of 1,613,998 alleles (0.0013%); highest among the groups gnomAD compares: African/African-American, 0.0053%; no homozygotes.

Submissions (2):

Labcorp Genetics (formerly Invitae), Labcorp
Classification: Uncertain significance. Last evaluated: 2025-09-02. Review status: criteria provided, single submitter. Criteria: Invitae Variant Classification Sherloc (09022015). Collection method: clinical testing. Allele origin: germline.
Comment: This sequence change replaces arginine, which is basic and polar, with histidine, which is basic and polar, at codon 830 of the FN1 protein (p.Arg830His). This variant is present in population databases (rs775576039, gnomAD 0.006%). This missense change has been observed in individual(s) with familial microscopic hematuria (PMID: 28632965). ClinVar contains an entry for this variant (Variation ID: 2902922). An algorithm developed to predict the effect of missense changes on protein structure and function outputs the following: PolyPhen-2: "Benign". The histidine amino acid residue is found in multiple mammalian species, which suggests that this missense change does not adversely affect protein function. In summary, the available evidence is currently insufficient to determine the role of this variant in disease. Therefore, it has been classified as a Variant of Uncertain Significance.

PreventionGenetics, part of Exact Sciences
Classification: Uncertain significance for FN1-related condition. Last evaluated: 2025-08-04. Review status: criteria provided, single submitter. Criteria: ACMG Guidelines, 2015. Collection method: clinical testing. Allele origin: germline.
Comment: The FN1 c.2489G>A variant is predicted to result in the amino acid substitution p.Arg830His. This variant has been reported as non-disease causing in a study on individuals with familial microscopic hematuria (Table 4, Papazachariou et al. 2017. PubMed ID: 28632965). This variant is reported in 0.0058% of alleles in individuals of Latino descent in gnomAD. At this time, the clinical significance of this variant is uncertain due to the absence of conclusive functional and genetic evidence.

Literature cited by the submitters: PubMed 28632965 (cited by Labcorp Genetics (formerly Invitae), Labcorp).

NM_212482.4(FN1):c.2489G>A (p.Arg830His)

Gene: FN1 (fibronectin 1; minus strand). Cytogenetic location: 2q35.
Variant type: single nucleotide variant.
Coding change: c.2489G>A on transcript NM_212482.4 (MANE Select); coding-DNA position 2489, G replaced by A.
Protein change: p.Arg830His; replaces arginine 830 with histidine.
Molecular consequence: missense variant.
Genome position (GRCh38, 1-based): chr2:215,408,137, C>T on the plus strand (G>A on the coding strand, the complement: FN1 is on the minus strand). VCF-style: chr2-215408137-C-T. GRCh37 (hg19) VCF-style: chr2-216272860-C-T.
Other names: c.2489G>A (NM_212482.2); c.2489G>A, p.Arg830His (NM_001306129.2, NM_001306130.2, NM_001306131.2 and 13 more transcripts); short protein forms R830H.
Identifiers: ClinVar variation 2902922 (VCV002902922.4), dbSNP rs775576039, ClinGen allele CA2094962.